The following is an entry in ClinVar:

ClinVar aggregate classification (germline): Likely pathogenic (1 of 4 stars; one submission).

Submission:

Labcorp Genetics (formerly Invitae), Labcorp
Classification: Likely pathogenic. Last evaluated: 2023-03-02. Review status: criteria provided, single submitter. Criteria: Invitae Variant Classification Sherloc (09022015). Collection method: clinical testing. Allele origin: germline.
Comment: This variant has not been reported in the literature in individuals affected with CLCN7-related conditions. Algorithms developed to predict the effect of sequence changes on RNA splicing suggest that this variant may disrupt the consensus splice site. In summary, the currently available evidence indicates that the variant is pathogenic, but additional data are needed to prove that conclusively. Therefore, this variant has been classified as Likely Pathogenic. This variant is not present in population databases (gnomAD no frequency). This sequence change affects an acceptor splice site in intron 21 of the CLCN7 gene. It is expected to disrupt RNA splicing. Variants that disrupt the donor or acceptor splice site typically lead to a loss of protein function (PMID: 16199547), and loss-of-function variants in CLCN7 are known to be pathogenic (PMID: 14584882, 19953639).

Literature cited by the submitters: PubMed 16199547; PubMed 14584882; PubMed 19953639.

NM_001287.6(CLCN7):c.2014-2A>G

Gene: CLCN7 (chloride voltage-gated channel 7; minus strand). Cytogenetic location: 16p13.3.
Variant type: single nucleotide variant.
Coding change: c.2014-2A>G on transcript NM_001287.6 (MANE Select); the canonical splice acceptor site of the intron before coding-DNA position 2014, A replaced by G.
Molecular consequence: splice acceptor variant.
Genome position (GRCh38, 1-based): chr16:1,447,716, T>C on the plus strand (A>G on the coding strand, the complement: CLCN7 is on the minus strand). VCF-style: chr16-1447716-T-C. GRCh37 (hg19) VCF-style: chr16-1497717-T-C.
Other names: c.1942-2A>G (NM_001114331.3).
Identifiers: ClinVar variation 2819010 (VCV002819010.3), dbSNP rs2505813236, ClinGen allele CA394185963.
Genomic context (GRCh38, chr16:1,447,716, plus strand): 5'-TTGTGCTTTAGGAGAACGATGAGCTGGGAGCGCAGGATCAGGCCCTGGAGCCGGGCAGGC[T>C]GCAAGACAGGCCCGCGGTCAGGGCCACGGGCCCGAGGGTGGGAGGCTGCGCTGGAATGCT-3'